The following is an entry in ClinVar:

ClinVar aggregate classification (germline): Conflicting classifications of pathogenicity. Review status: criteria provided, conflicting classifications (1 of 4 stars). 4 submissions from 4 submitters: Pathogenic (3); Uncertain significance (1). Last evaluated 2025-11-04.

Conditions:
Primary familial hypertrophic cardiomyopathy (HCM). Identifiers: Orphanet 99739, MedGen C0949658, MeSH D024741, MONDO:0024573. Inheritance: Various modes of inheritance.
Cardiovascular phenotype. Identifiers: MedGen CN230736.
Hypertrophic cardiomyopathy 12. Identifiers: MedGen C2677491, MONDO:0012804, OMIM 612124.
Dilated cardiomyopathy 1M (CMD1M). Identifiers: Orphanet 154, MedGen C1843808, MONDO:0011840, OMIM 607482.

Allele frequency attached by ClinVar (database versions not stated): gnomAD 0.00001; gnomAD exomes below 0.00001.
gnomAD v4.1: 2 of 1,614,080 alleles (0.00012%); highest among the groups gnomAD compares: African/African-American, 0.0027%; no homozygotes.

Submissions (4):

Women's Health and Genetics/Laboratory Corporation of America, LabCorp
Classification: Pathogenic for Primary familial hypertrophic cardiomyopathy. Last evaluated: 2025-11-04. Review status: criteria provided, single submitter. Criteria: LabCorp Variant Classification Summary - May 2015. Collection method: clinical testing. Allele origin: germline.
Comment: Variant summary: CSRP3 c.369T>A (p.Cys123X) results in a premature termination codon, predicted to cause a truncation of the encoded protein or absence of the protein due to nonsense mediated decay, which are commonly known mechanisms for disease. The variant allele was found at a frequency of 4e-06 in 251368 control chromosomes. c.369T>A has been observed in the homozygous state in at least 1 individual(s) affected with Hypertrophic Cardiomyopathy (Janin_2018). The following publication has been ascertained in the context of this evaluation (PMID: 30012424). ClinVar contains an entry for this variant (Variation ID: 836666). Based on the evidence outlined above, the variant was classified as pathogenic.

Labcorp Genetics (formerly Invitae), Labcorp
Classification: Pathogenic for Hypertrophic cardiomyopathy 12; Dilated cardiomyopathy 1M. Last evaluated: 2025-07-20. Review status: criteria provided, single submitter. Criteria: Invitae Variant Classification Sherloc (09022015). Collection method: clinical testing. Allele origin: germline.
Comment: This sequence change creates a premature translational stop signal (p.Cys123*) in the CSRP3 gene. It is expected to result in an absent or disrupted protein product. Loss-of-function variants in CSRP3 are known to be pathogenic (PMID: 12642359, 14567970, 16352453, 20087448, 34558151). This variant is present in population databases (no rsID available, gnomAD 0.007%). This premature translational stop signal has been observed in individual(s) with hypertrophic cardiomyopathy (PMID: 30012424). ClinVar contains an entry for this variant (Variation ID: 836666). Algorithms developed to predict the effect of sequence changes on RNA splicing suggest that this variant may create or strengthen a splice site. For these reasons, this variant has been classified as Pathogenic.

Ambry Genetics
Classification: Pathogenic for Cardiovascular phenotype. Last evaluated: 2023-09-19. Review status: criteria provided, single submitter. Criteria: Ambry Variant Classification Scheme 2023. Collection method: clinical testing. Allele origin: germline.
Comment: The p.C123* variant (also known as c.369T>A), located in coding exon 3 of the CSRP3 gene, results from a T to A substitution at nucleotide position 369. This changes the amino acid from a cysteine to a stop codon within coding exon 3. This alteration is expected to result in loss of function by premature protein truncation or nonsense-mediated mRNA decay. Based on the supporting evidence, this alteration is interpreted as a disease-causing mutation; however, in the heterozygous state, this variant may present with reduced penetrance and expressivity.

AiLife Diagnostics
Classification: Uncertain significance. Last evaluated: 2021-12-27. Review status: criteria provided, single submitter. Criteria: ACMG Guidelines, 2015. Collection method: clinical testing. Allele origin: germline. Affected: yes. Observed: 1 variant allele.

Literature cited by the submitters: PubMed 30012424 (cited by 4 submitters); PubMed 12642359 (cited by Labcorp Genetics (formerly Invitae), Labcorp); PubMed 14567970 (cited by Labcorp Genetics (formerly Invitae), Labcorp); PubMed 16352453 (cited by Labcorp Genetics (formerly Invitae), Labcorp); PubMed 20087448 (cited by Labcorp Genetics (formerly Invitae), Labcorp); PubMed 34558151 (cited by Labcorp Genetics (formerly Invitae), Labcorp); PubMed 34526680 (cited by Ambry Genetics).

NM_003476.5(CSRP3):c.369T>A (p.Cys123Ter)

Gene: CSRP3 (cysteine and glycine rich protein 3; minus strand). Cytogenetic location: 11p15.1.
Variant type: single nucleotide variant.
Coding change: c.369T>A on transcript NM_003476.5 (MANE Select); coding-DNA position 369, T replaced by A.
Protein change: p.Cys123Ter; replaces cysteine 123 with a stop codon.
Molecular consequence: nonsense. On other transcripts: missense variant (1).
Genome position (GRCh38, 1-based): chr11:19,186,261, A>T on the plus strand (T>A on the coding strand, the complement: CSRP3 is on the minus strand). VCF-style: chr11-19186261-A-T. GRCh37 (hg19) VCF-style: chr11-19207808-A-T.
Other names: c.200T>A, p.Val67Glu (NM_001369404.1); short protein forms C123*, V67E.
Identifiers: ClinVar variation 836666 (VCV000836666.14), dbSNP rs1216811263, ClinGen allele CA379887921.